The following is an entry in ClinVar:

ClinVar aggregate classification (germline): Likely pathogenic (1 of 4 stars; one submission).

Conditions:
NAD(P)HX dehydratase deficiency. Also called: Encephalopathy, progressive, early-onset, with brain edema and/or leukoencephalopathy, 2. Identifiers: Orphanet 555402, MedGen C5193026, MONDO:0034121, OMIM 618321.

gnomAD v4.1: 6 of 1,614,120 alleles (0.00037%); highest among the groups gnomAD compares: South Asian, 0.0055%; no homozygotes.

Submission:

Victorian Clinical Genetics Services, Murdoch Childrens Research Institute
Classification: Likely pathogenic for NAD(P)HX dehydratase deficiency. Last evaluated: 2025-08-25. Review status: criteria provided, single submitter. Criteria: ACMG Guidelines, 2015. Collection method: clinical testing. Allele origin: germline. Affected: yes.
Comment: This variant is classified as Likely pathogenic. Evidence in support of pathogenic classification: Variant is present in gnomAD <0.01 for a recessive condition (v4: 6 heterozygote(s), 0 homozygote(s)); This variant has strong functional evidence supporting abnormal protein function. Metabolomic analysis on patient derived fibroblasts show significant accumulation of S-NADHX and R-NADHX metabolites when compared with paediatric controls, consistent with findings from fibroblasts of other NAXD patients (PMIDs: 30576410, 36834994). Additionally, whole cell proteomic analysis on cells compound heterozygous for this variant and p.(Pro283Leufs*33) demonstrated a significant reduction in levels of NAXD, measured to be 9% relative to control protein levels (MitoMDT Consortium, Victoria, Australia); Missense variant predicted to be damaging by in silico tool(s) or highly conserved with a major amino acid change. Additional information: Variant is predicted to result in a missense amino acid change from serine to phenylalanine; This variant is heterozygous; This gene is associated with autosomal recessive disease; Alternative amino acid change(s) at the same position are present in gnomAD (Highest allele count: v4: 12 heterozygote(s), 0 homozygote(s)); This variant has no previous evidence of pathogenicity; No published segregation evidence has been identified for this variant; No comparable missense variants have previous evidence for pathogenicity; Variant is located in the annotated carb kinase domain (DECIPHER); Loss of function is a known mechanism of disease in this gene and is associated with early-onset progressive encephalopathy with brain oedema and/or leukoencephalopathy 2 (MIM#618321).

Literature cited by the submitters: PubMed 30576410; PubMed 36834994.

NM_001242882.2(NAXD):c.704C>T (p.Ser235Phe)

Gene: NAXD (NAD(P)HX dehydratase; plus strand). Cytogenetic location: 13q34.
Variant type: single nucleotide variant.
Coding change: c.704C>T on transcript NM_001242882.2 (MANE Select); coding-DNA position 704, C replaced by T.
Protein change: p.Ser235Phe; replaces serine 235 with phenylalanine.
Molecular consequence: missense variant. On other transcripts: non-coding transcript variant (2).
Genome position (GRCh38, 1-based): chr13:110,635,574, C>T. VCF-style: chr13-110635574-C-T. GRCh37 (hg19) VCF-style: chr13-111287921-C-T.
Other names: c.758C>T, p.Ser253Phe (NM_001242881.2, NM_018210.4); c.428C>T, p.Ser143Phe (NM_001242883.2); short protein forms S143F, S235F, S253F.
Identifiers: ClinVar variation 3377366 (VCV003377366.3).